The following is an entry in ClinVar:

NM_001035.3(RYR2):c.13357G>C (p.Ala4453Pro)

Gene: RYR2 (ryanodine receptor 2; plus strand). Cytogenetic location: 1q43.
Variant type: single nucleotide variant.
Coding change: c.13357G>C on transcript NM_001035.3 (MANE Select); coding-DNA position 13357, G replaced by C.
Protein change: p.Ala4453Pro; replaces alanine 4453 with proline.
Molecular consequence: missense variant.
Genome position (GRCh38, 1-based): chr1:237,788,016, G>C. VCF-style: chr1-237788016-G-C. GRCh37 (hg19) VCF-style: chr1-237951316-G-C.
Other names: c.13357G>C, p.Ala4453Pro (LRG_402t1); short protein forms A4453P.
Identifiers: ClinVar variation 664658 (VCV000664658.8), dbSNP rs1573952018, ClinGen allele CA345416415.

ClinVar aggregate classification (germline): Uncertain significance (1 of 4 stars; one submission).

Conditions:
Catecholaminergic polymorphic ventricular tachycardia 1. Also called: VENTRICULAR TACHYCARDIA, CATECHOLAMINERGIC POLYMORPHIC, 1, WITH OR WITHOUT ATRIAL DYSFUNCTION AND/OR DILATED CARDIOMYOPATHY; VENTRICULAR TACHYCARDIA, STRESS-INDUCED POLYMORPHIC 1; RYR2-Related Catecholaminergic Polymorphic Ventricular Tachycardia. Identifiers: Orphanet 3286, MedGen C1631597, MONDO:0011484, OMIM 604772.

Submission:

Labcorp Genetics (formerly Invitae), Labcorp
Classification: Uncertain significance for Catecholaminergic polymorphic ventricular tachycardia 1. Last evaluated: 2026-01-15. Review status: criteria provided, single submitter. Criteria: Invitae Variant Classification Sherloc (09022015). Collection method: clinical testing. Allele origin: germline.
Comment: This sequence change replaces alanine, which is neutral and non-polar, with proline, which is neutral and non-polar, at codon 4453 of the RYR2 protein (p.Ala4453Pro). This variant is not present in population databases (gnomAD no frequency). This variant has not been reported in the literature in individuals affected with RYR2-related conditions. ClinVar contains an entry for this variant (Variation ID: 664658). Invitae Evidence Modeling of protein sequence and biophysical properties (such as structural, functional, and spatial information, amino acid conservation, physicochemical variation, residue mobility, and thermodynamic stability) indicates that this missense variant is not expected to disrupt RYR2 protein function with a negative predictive value of 95%. In summary, the available evidence is currently insufficient to determine the role of this variant in disease. Therefore, it has been classified as a Variant of Uncertain Significance.